The following is an entry in ClinVar:

ClinVar aggregate classification (germline): Conflicting classifications of pathogenicity. Review status: criteria provided, conflicting classifications (1 of 4 stars). 2 submissions from 2 submitters: Likely pathogenic (1); Uncertain significance (1). Last evaluated 2018-10-22.

Conditions:
Inborn genetic diseases. Identifiers: MedGen C0950123, MeSH D030342.
Alpha thalassemia-X-linked intellectual disability syndrome (ATRX). Also called: ALPHA-THALASSEMIA/IMPAIRED INTELLECTUAL DEVELOPMENT SYNDROME, X-LINKED; ALPHA-THALASSEMIA/MENTAL RETARDATION SYNDROME, X-LINKED; ATR, NONDELETION TYPE; X-linked alpha-thalassemia-mental retardation syndrome; ATR-X syndrome; Alpha thalassemia mental retardation syndrome, nondeletion type, X-linked. Identifiers: Orphanet 847, MedGen C1845055, MONDO:0010519, OMIM 301040.

Submissions (2):

Ambry Genetics
Classification: Likely pathogenic for Inborn genetic diseases. Last evaluated: 2018-10-22. Review status: criteria provided, single submitter. Criteria: Ambry Variant Classification Scheme 2023. Collection method: clinical testing. Allele origin: germline.
Comment: The p.R246L variant (also known as c.737G>T), located in coding exon 9 of the ATRX gene, results from a G to T substitution at nucleotide position 737. The arginine at codon 246 is replaced by leucine, an amino acid with dissimilar properties. This alteration was identified in an individual with alpha-thalassemia X-linked intellectual disability associated phenotype (Villard L et al. J. Med. Genet., 1999 Mar;36:183-6). Functional studies in the literature indicate that this variant results in decreased protein binding affinity (Dhayalan A et al. Hum. Mol. Genet., 2011 Jun;20:2195-203). A different alteration at the same amino acid position, p.R246C, has been reported in multiple unrelated individuals with ATRX syndrome (Gibbons RJ et al. Hum. Mutat., 2008 Jun;29:796-802). This variant was not reported in population-based cohorts in the Genome Aggregation Database (gnomAD). This amino acid position is highly conserved in available vertebrate species. In addition, this alteration is predicted to be deleterious by in silico analysis. Based on the majority of available evidence to date, this variant is likely to be pathogenic.

Labcorp Genetics (formerly Invitae), Labcorp
Classification: Uncertain significance for Alpha thalassemia-X-linked intellectual disability syndrome. Last evaluated: 2018-09-05. Review status: criteria provided, single submitter. Criteria: Invitae Variant Classification Sherloc (09022015). Collection method: clinical testing. Allele origin: germline.
Comment: Algorithms developed to predict the effect of missense changes on protein structure and function are either unavailable or do not agree on the potential impact of this missense change (SIFT: "Deleterious"; PolyPhen-2: "Probably Damaging"; Align-GVGD: "Class C0"). This sequence change replaces arginine with leucine at codon 246 of the ATRX protein (p.Arg246Leu). The arginine residue is highly conserved and there is a moderate physicochemical difference between arginine and leucine. This variant is not present in population databases (ExAC no frequency). This variant has been observed in individuals affected with ATRX syndrome (PMID: 10204841, 12673795). This variant is also known as G943T in the literature. This variant disrupts the p.Arg246 amino acid residue in ATRX. Other variant(s) that disrupt this residue have been observed in affected individuals (PMID: 16955409, 20500465, 24327140, 9326931, 7726225), suggesting that it is a clinically significant residue. As a result, variants that disrupt this residue are likely to be causative of disease. In summary, the available evidence is currently insufficient to determine the role of this variant in disease. Therefore, it has been classified as a Variant of Uncertain Significance.

Literature cited by the submitters: PubMed 10204841 (cited by Ambry Genetics and Labcorp Genetics (formerly Invitae), Labcorp); PubMed 10660327 (cited by Ambry Genetics); PubMed 12673795 (cited by Ambry Genetics and Labcorp Genetics (formerly Invitae), Labcorp); PubMed 18409179 (cited by Ambry Genetics); PubMed 21421568 (cited by Ambry Genetics); PubMed 16955409 (cited by Labcorp Genetics (formerly Invitae), Labcorp); PubMed 20500465 (cited by Labcorp Genetics (formerly Invitae), Labcorp); PubMed 24327140 (cited by Labcorp Genetics (formerly Invitae), Labcorp); PubMed 9326931 (cited by Labcorp Genetics (formerly Invitae), Labcorp); PubMed 7726225 (cited by Labcorp Genetics (formerly Invitae), Labcorp).

NM_000489.6(ATRX):c.737G>T (p.Arg246Leu)

Gene: ATRX (ATRX chromatin remodeler; minus strand). Cytogenetic location: Xq21.1.
Variant type: single nucleotide variant.
Coding change: c.737G>T on transcript NM_000489.6 (MANE Select); coding-DNA position 737, G replaced by T.
Protein change: p.Arg246Leu; replaces arginine 246 with leucine.
Molecular consequence: missense variant.
Genome position (GRCh38, 1-based): chrX:77,684,519, C>A on the plus strand (G>T on the coding strand, the complement: ATRX is on the minus strand). VCF-style: chrX-77684519-C-A. GRCh37 (hg19) VCF-style: chrX-76940011-C-A.
Other names: c.623G>T, p.Arg208Leu (NM_138270.5); short protein forms R208L, R246L.
Identifiers: ClinVar variation 652477 (VCV000652477.11), dbSNP rs1603226766, ClinGen allele CA413720775.
Genomic context (GRCh38, chrX:77,684,519, plus strand): 5'-TAGCAATACCATTGGTTGTTTTCATCCATTATTGTGGACAACTCCTTTCGACCAAGGTTG[C>A]GTAGAATGCATTTCTTGCAGAAAGCATTATGGCAAAAGTCACAACAAATCAAGTTTCCAC-3'
Protein context (NP_000480.3, residues 236-256): HNAFCKKCIL[Arg246Leu]NLGRKELSTI